The following is an entry in ClinVar:

ClinVar aggregate classification (germline): Likely benign. Review status: criteria provided, multiple submitters, no conflicts (2 of 4 stars). 2 submissions from 2 submitters: Likely benign (2). Last evaluated 2023-10-10.

Conditions:
Cortical dysplasia-focal epilepsy syndrome (PTHSL1). Also called: Pitt-Hopkins-like syndrome 1. Identifiers: Orphanet 163681, Orphanet 221150, MedGen C2750246, MONDO:0012400, OMIM 610042.

Allele frequency attached by ClinVar (database versions not stated): TOPMed below 0.00001; ExAC 0.00001; gnomAD 0.00001; gnomAD exomes 0.00001.
gnomAD v4.1: 19 of 1,613,060 alleles (0.0012%); highest among the groups gnomAD compares: Non-Finnish European, 0.0015%; no homozygotes.

Submissions (2):

Labcorp Genetics (formerly Invitae), Labcorp
Classification: Likely benign for Cortical dysplasia-focal epilepsy syndrome. Last evaluated: 2023-10-10. Review status: criteria provided, single submitter. Criteria: Invitae Variant Classification Sherloc (09022015). Collection method: clinical testing. Allele origin: germline.

GeneDx
Classification: Likely benign. Last evaluated: 2015-12-08. Review status: criteria provided, single submitter. Criteria: GeneDx Variant Classification (06012015). Collection method: clinical testing. Allele origin: germline. Affected: yes.
Comment: This variant is considered likely benign or benign based on one or more of the following criteria: it is a conservative change, it occurs at a poorly conserved position in the protein, it is predicted to be benign by multiple in silico algorithms, and/or has population frequency not consistent with disease.

NM_014141.6(CNTNAP2):c.741C>G (p.Leu247=)

Gene: CNTNAP2 (contactin associated protein 2; plus strand). Cytogenetic location: 7q35.
Variant type: single nucleotide variant.
Coding change: c.741C>G on transcript NM_014141.6 (MANE Select); coding-DNA position 741, C replaced by G.
Protein change: p.Leu247=; no amino-acid change (leucine 247 retained).
Molecular consequence: synonymous variant.
Genome position (GRCh38, 1-based): chr7:147,108,337, C>G. VCF-style: chr7-147108337-C-G. GRCh37 (hg19) VCF-style: chr7-146805429-C-G.
Identifiers: ClinVar variation 382195 (VCV000382195.10), dbSNP rs540045509, ClinGen allele CA4545871.